The following is an entry in ClinVar:

NM_014423.4(AFF4):c.2492G>A (p.Arg831Gln)

Gene: AFF4 (ALF transcription elongation factor 4; minus strand). Cytogenetic location: 5q31.1.
Variant type: single nucleotide variant.
Coding change: c.2492G>A on transcript NM_014423.4 (MANE Select); coding-DNA position 2492, G replaced by A.
Protein change: p.Arg831Gln; replaces arginine 831 with glutamine.
Molecular consequence: missense variant.
Genome position (GRCh38, 1-based): chr5:132,892,309, C>T on the plus strand (G>A on the coding strand, the complement: AFF4 is on the minus strand). VCF-style: chr5-132892309-C-T. GRCh37 (hg19) VCF-style: chr5-132228001-C-T.
Other names: short protein forms R831Q.
Identifiers: ClinVar variation 2636310 (VCV002636310.2), dbSNP rs765464106, ClinGen allele CA3408913.

ClinVar aggregate classification (germline): Uncertain significance (0 of 4 stars; one submission).

Conditions:
AFF4-related disorder. Also called: AFF4-related condition.

Allele frequency attached by ClinVar (database versions not stated): gnomAD 0.00001; gnomAD exomes 0.00001; TOPMed 0.00001; ExAC 0.00002.
gnomAD v4.1: 16 of 1,613,986 alleles (0.00099%); highest among the groups gnomAD compares: East Asian, 0.0045%; no homozygotes.

Submission:

PreventionGenetics, part of Exact Sciences
Classification: Uncertain significance for AFF4-related condition. Last evaluated: 2024-07-08. Review status: no assertion criteria provided. Collection method: clinical testing. Allele origin: germline.
Comment: The AFF4 c.2492G>A variant is predicted to result in the amino acid substitution p.Arg831Gln. To our knowledge, this variant has not been reported in the literature. This variant is reported in 0.0054% of alleles in individuals of East Asian descent in gnomAD. At this time, the clinical significance of this variant is uncertain due to the absence of conclusive functional and genetic evidence.